The following is an entry in ClinVar:

ClinVar aggregate classification (germline): Likely benign. Review status: criteria provided, multiple submitters, no conflicts (2 of 4 stars). 3 submissions from 3 submitters: Likely benign (3). Last evaluated 2025-10-23.

Conditions:
Hypertrophic cardiomyopathy 14. Identifiers: MedGen C2750467, MONDO:0013197, OMIM 613251.

Allele frequency attached by ClinVar (database versions not stated): gnomAD exomes 0.00005 and 0.00010; ExAC 0.00014; 1000 Genomes Project 30x 0.00016; TOPMed 0.00018; gnomAD 0.00019 and 0.00020; 1000 Genomes Project 0.00020.
gnomAD v4.1: 102 of 1,614,072 alleles (0.0063%); highest among the groups gnomAD compares: African/African-American, 0.057%; no homozygotes.

Submissions (3):

Labcorp Genetics (formerly Invitae), Labcorp
Classification: Likely benign for Hypertrophic cardiomyopathy 14. Last evaluated: 2025-10-23. Review status: criteria provided, single submitter. Criteria: Invitae Variant Classification Sherloc (09022015). Collection method: clinical testing. Allele origin: germline.

GeneDx
Classification: Likely benign. Last evaluated: 2019-04-26. Review status: criteria provided, single submitter. Criteria: GeneDx Variant Classification Process June 2021. Collection method: clinical testing. Allele origin: germline. Affected: yes.

Laboratory for Molecular Medicine, Mass General Brigham Personalized Medicine
Classification: Likely benign. Last evaluated: 2014-07-24. Review status: criteria provided, single submitter. Criteria: LMM Criteria. Collection method: clinical testing. Allele origin: germline. Observed: 1 variant allele.
Comment: 202-12C>T in intron 3 of MYH6: This variant is not expected to have clinical sig nificance because a C>T change at this position does not diverge from the splice consensus sequence and is therefore unlikely to impact splicing. 202-12C>T in intron 3 of MYH6 (allele frequency = n/a)

NM_002471.4(MYH6):c.202-12C>T

Genes: MYH6 (myosin heavy chain 6; minus strand), LOC114827851 (VISTA enhancer hs2155; plus strand). Cytogenetic location: 14q11.2.
Variant type: single nucleotide variant.
Coding change: c.202-12C>T on transcript NM_002471.4 (MANE Select); 12 bases into the intron before coding-DNA position 202, C replaced by T.
Molecular consequence: intron variant.
Genome position (GRCh38, 1-based): chr14:23,405,782, G>A on the plus strand (C>T on the coding strand, the complement: MYH6 is on the minus strand). VCF-style: chr14-23405782-G-A. GRCh37 (hg19) VCF-style: chr14-23874991-G-A.
Identifiers: ClinVar variation 179864 (VCV000179864.14), dbSNP rs566157802, ClinGen allele CA185299.